The following is an entry in ClinVar:

ClinVar aggregate classification (germline): Uncertain significance (1 of 4 stars; one submission).

Conditions:
Epileptic encephalopathy. Identifiers: MedGen C0543888, HP:0200134.

Submission:

Labcorp Genetics (formerly Invitae), Labcorp
Classification: Uncertain significance for Epileptic encephalopathy. Last evaluated: 2025-03-16. Review status: criteria provided, single submitter. Criteria: Invitae Variant Classification Sherloc (09022015). Collection method: clinical testing. Allele origin: germline.
Comment: This sequence change replaces glutamic acid, which is acidic and polar, with valine, which is neutral and non-polar, at codon 318 of the FASN protein (p.Glu318Val). This variant is not present in population databases (gnomAD no frequency). This variant has not been reported in the literature in individuals affected with FASN-related conditions. An algorithm developed to predict the effect of missense changes on protein structure and function (PolyPhen-2) suggests that this variant is likely to be tolerated. In summary, the available evidence is currently insufficient to determine the role of this variant in disease. Therefore, it has been classified as a Variant of Uncertain Significance.

NM_004104.5(FASN):c.953A>T (p.Glu318Val)

Gene: FASN (fatty acid synthase; minus strand). Cytogenetic location: 17q25.3.
Variant type: single nucleotide variant.
Coding change: c.953A>T on transcript NM_004104.5 (MANE Select); coding-DNA position 953, A replaced by T.
Protein change: p.Glu318Val; replaces glutamic acid 318 with valine.
Molecular consequence: missense variant.
Genome position (GRCh38, 1-based): chr17:82,092,531, T>A on the plus strand (A>T on the coding strand, the complement: FASN is on the minus strand). VCF-style: chr17-82092531-T-A. GRCh37 (hg19) VCF-style: chr17-80050407-T-A.
Other names: short protein forms E318V.
Identifiers: ClinVar variation 4703169 (VCV004703169.1).
Genomic context (GRCh38, chr17:82,092,531, plus strand): 5'-AGCCCCGAGGCTGGCTCCGGGTGCCCCATGTTGGACTTGGTGGAGCCGATGAGCAGCGGC[T>A]CCTGGCGGGTGGCGCACAGGGCTCGGGTGATGCCATTCAGCTCCTGGGGGTCGCCCACCT-3'
Protein context (NP_004095.4, residues 308-328): ITRALCATRQ[Glu318Val]PLLIGSTKSN